The following is an entry in ClinVar:

NM_000233.4(LHCGR):c.459-12T>C

Genes: LHCGR (luteinizing hormone/choriogonadotropin receptor; minus strand), STON1-GTF2A1L (STON1-GTF2A1L readthrough; plus strand). Cytogenetic location: 2p16.3.
Variant type: single nucleotide variant.
Coding change: c.459-12T>C on transcript NM_000233.4 (MANE Select); 12 bases into the intron before coding-DNA position 459, T replaced by C.
Molecular consequence: intron variant.
Genome position (GRCh38, 1-based): chr2:48,723,545, A>G on the plus strand (T>C on the coding strand, the complement: LHCGR is on the minus strand). VCF-style: chr2-48723545-A-G. GRCh37 (hg19) VCF-style: chr2-48950684-A-G.
Other names: c.3441+51865A>G (NM_001198593.2).
Identifiers: ClinVar variation 3008079 (VCV003008079.3), dbSNP rs1041840428, ClinGen allele CA46785192.
Genomic context (GRCh38, chr2:48,723,545, plus strand): 5'-AAAAGCATTTCCTGGTATGGTGGTTATGTGTAAGTTATCACAAATTTCCCTTGAGGAAAG[A>G]AATGAGAAATATTTACTTTCTAAATTTTAGCTGCAAATAGGAAACTGTTATGCATAGCAA-3'

ClinVar aggregate classification (germline): Uncertain significance (1 of 4 stars; one submission).

Allele frequency attached by ClinVar (database versions not stated): gnomAD 0.00001; gnomAD exomes 0.00001; TOPMed 0.00001.
gnomAD v4.1: 4 of 1,609,548 alleles (0.00025%); highest among the groups gnomAD compares: Admixed American, 0.005%; no homozygotes.

Submission:

Labcorp Genetics (formerly Invitae), Labcorp
Classification: Uncertain significance. Last evaluated: 2025-09-08. Review status: criteria provided, single submitter. Criteria: Invitae Variant Classification Sherloc (09022015). Collection method: clinical testing. Allele origin: germline.
Comment: This sequence change falls in intron 5 of the LHCGR gene. It does not directly change the encoded amino acid sequence of the LHCGR protein. This variant is present in population databases (no rsID available, gnomAD 0.006%). This variant has not been reported in the literature in individuals affected with LHCGR-related conditions. ClinVar contains an entry for this variant (Variation ID: 3008079). Algorithms developed to predict the effect of sequence changes on RNA splicing suggest that this variant may disrupt the consensus splice site. In summary, the available evidence is currently insufficient to determine the role of this variant in disease. Therefore, it has been classified as a Variant of Uncertain Significance.